The following is an entry in ClinVar:

ClinVar aggregate classification (germline): Uncertain significance (1 of 4 stars; one submission).

gnomAD v4.1: 4 of 1,613,446 alleles (0.00025%); highest among the groups gnomAD compares: Non-Finnish European, 0.00034%; no homozygotes.

Submission:

CeGaT Center for Human Genetics Tuebingen
Classification: Uncertain significance. Last evaluated: 2026-02-01. Review status: criteria provided, single submitter. Criteria: CeGaT Center For Human Genetics Tuebingen Variant Classification Criteria Version 2. Collection method: clinical testing. Allele origin: germline. Affected: yes. Observed: 1 variant allele.
Comment: TTN: PM2

NM_001267550.2(TTN):c.21764G>T (p.Gly7255Val)

Gene: TTN (titin; minus strand). Cytogenetic location: 2q31.2.
Variant type: single nucleotide variant.
Coding change: c.21764G>T on transcript NM_001267550.2 (MANE Select); coding-DNA position 21764, G replaced by T.
Protein change: p.Gly7255Val; replaces glycine 7255 with valine.
Molecular consequence: missense variant. On other transcripts: intron variant (3).
Genome position (GRCh38, 1-based): chr2:178,723,243, C>A on the plus strand (G>T on the coding strand, the complement: TTN is on the minus strand). VCF-style: chr2-178723243-C-A. GRCh37 (hg19) VCF-style: chr2-179587970-C-A.
Other names: c.20813G>T, p.Gly6938Val (NM_001256850.1); c.18032G>T, p.Gly6011Val (NM_133378.4); c.13282+14839G>T (NM_003319.4); c.13858+14839G>T (NM_133437.4); c.13657+14839G>T (NM_133432.3); short protein forms G6011V, G6938V, G7255V.
Identifiers: ClinVar variation 4822327 (VCV004822327.4).